The following is an entry in ClinVar:

NM_000755.5(CRAT):c.410G>A (p.Arg137Gln)

Gene: CRAT (carnitine O-acetyltransferase; minus strand). Cytogenetic location: 9q34.11.
Variant type: single nucleotide variant.
Coding change: c.410G>A on transcript NM_000755.5 (MANE Select); coding-DNA position 410, G replaced by A.
Protein change: p.Arg137Gln; replaces arginine 137 with glutamine.
Molecular consequence: missense variant.
Genome position (GRCh38, 1-based): chr9:129,104,188, C>T on the plus strand (G>A on the coding strand, the complement: CRAT is on the minus strand). VCF-style: chr9-129104188-C-T. GRCh37 (hg19) VCF-style: chr9-131866467-C-T.
Other names: c.347G>A, p.Arg116Gln (NM_001257363.3, NM_001346548.2, NM_004003.4); c.413G>A, p.Arg138Gln (NM_001346546.2); c.410G>A, p.Arg137Gln (NM_001346547.2); c.290G>A, p.Arg97Gln (NM_001346549.2); short protein forms R137Q, R138Q, R116Q, R97Q.
Identifiers: ClinVar variation 3705836 (VCV003705836.3).

ClinVar aggregate classification (germline): Uncertain significance (1 of 4 stars; one submission).

gnomAD v4.1: 632 of 1,604,468 alleles (0.039%); highest among the groups gnomAD compares: Non-Finnish European, 0.049%; no homozygotes.

Submissions (6):

Labcorp Genetics (formerly Invitae), Labcorp
Classification: Uncertain significance. Last evaluated: 2025-10-09. Review status: criteria provided, single submitter. Criteria: Invitae Variant Classification Sherloc (09022015). Collection method: clinical testing. Allele origin: germline.
Comment: This sequence change replaces arginine, which is basic and polar, with glutamine, which is neutral and polar, at codon 137 of the CRAT protein (p.Arg137Gln). This variant also falls at the last nucleotide of exon 3, which is part of the consensus splice site for this exon. This variant is present in population databases (rs200112308, gnomAD 0.03%). This variant has not been reported in the literature in individuals affected with CRAT-related conditions. ClinVar contains an entry for this variant (Variation ID: 3705836). An algorithm developed to predict the effect of missense changes on protein structure and function (PolyPhen-2) suggests that this variant is likely to be disruptive. Variants that disrupt the consensus splice site are a relatively common cause of aberrant splicing (PMID: 17576681, 9536098). In summary, the available evidence is currently insufficient to determine the role of this variant in disease. Therefore, it has been classified as a Variant of Uncertain Significance.

Dr. Peter K. Rogan Lab, Western University
No classification provided (evidence only). Condition: Malignant tumor of urinary bladder. Review status: no classification provided. Collection method: in vitro. Allele origin: not applicable. Functional consequence: skipped exon. Not counted in ClinVar's aggregate classification.

Dr. Peter K. Rogan Lab, Western University
No classification provided (evidence only). Condition: Lung cancer. Review status: no classification provided. Collection method: in vitro. Allele origin: not applicable. Functional consequence: skipped exon. Not counted in ClinVar's aggregate classification.

Dr. Peter K. Rogan Lab, Western University
No classification provided (evidence only). Condition: Familial cancer of breast. Review status: no classification provided. Collection method: in vitro. Allele origin: not applicable. Functional consequence: skipped exon, retained intron. Not counted in ClinVar's aggregate classification.

Dr. Peter K. Rogan Lab, Western University
No classification provided (evidence only). Condition: Thyroid cancer, nonmedullary, 1. Review status: no classification provided. Collection method: in vitro. Allele origin: not applicable. Functional consequence: skipped exon. Not counted in ClinVar's aggregate classification.

Dr. Peter K. Rogan Lab, Western University
No classification provided (evidence only). Condition: Ovarian serous cystadenocarcinoma. Review status: no classification provided. Collection method: in vitro. Allele origin: not applicable. Functional consequence: retained intron. Not counted in ClinVar's aggregate classification.

Literature cited by the submitters: PubMed 17576681 (cited by Labcorp Genetics (formerly Invitae), Labcorp); PubMed 9536098 (cited by Labcorp Genetics (formerly Invitae), Labcorp).